The following is an entry in ClinVar:

ClinVar aggregate classification (germline): Benign/Likely benign. Review status: criteria provided, multiple submitters, no conflicts (2 of 4 stars). 4 submissions from 4 submitters: Benign (2); Likely benign (2). Last evaluated 2026-01-26.

Conditions:
Pitt-Hopkins syndrome (PTHS). Also called: MENTAL RETARDATION, SYNDROMAL, WITH INTERMITTENT HYPERVENTILATION; ENCEPHALOPATHY, SEVERE EPILEPTIC, WITH AUTONOMIC DYSFUNCTION. Identifiers: Orphanet 2896, MedGen C1970431, MONDO:0012589, OMIM 610954.

Allele frequency attached by ClinVar (database versions not stated): gnomAD exomes 0.00043; ESP Exome Variant Server 0.00054; gnomAD 0.00079 and 0.00084; TOPMed 0.00085; 1000 Genomes Project 30x 0.00031; 1000 Genomes Project 0.00040; ExAC 0.00043.
gnomAD v4.1: 494 of 1,613,644 alleles (0.031%); highest among the groups gnomAD compares: African/African-American, 0.29%; 4 homozygotes.

Submissions (4):

Labcorp Genetics (formerly Invitae), Labcorp
Classification: Benign for Pitt-Hopkins syndrome. Last evaluated: 2026-01-26. Review status: criteria provided, single submitter. Criteria: Invitae Variant Classification Sherloc (09022015). Collection method: clinical testing. Allele origin: germline.

Blueprint Genetics
Classification: Likely benign. Last evaluated: 2024-05-02. Review status: criteria provided, single submitter. Criteria: ACMG Guidelines, 2015. Collection method: clinical testing. Allele origin: germline.

Illumina Laboratory Services, Illumina
Classification: Benign for Pitt-Hopkins syndrome. Last evaluated: 2018-01-13. Review status: criteria provided, single submitter. Criteria: ICSL Variant Classification Criteria 13 December 2019. Collection method: clinical testing. Allele origin: germline.
Comment: This variant was observed in the ICSL laboratory as part of a predisposition screen in an ostensibly healthy population. It had not been previously curated by ICSL or reported in the Human Gene Mutation Database (HGMD: prior to June 1st, 2018), and was therefore a candidate for classification through an automated scoring system. Utilizing variant allele frequency, disease prevalence and penetrance estimates, and inheritance mode, an automated score was calculated to assess if this variant is too frequent to cause the disease. Based on the score and internal cut-off values, a variant classified as benign is not then subjected to further curation. The score for this variant resulted in a classification of benign for this disease.

GeneDx
Classification: Likely benign. Last evaluated: 2017-09-27. Review status: criteria provided, single submitter. Criteria: GeneDx Variant Classification (06012015). Collection method: clinical testing. Allele origin: germline. Affected: yes.
Comment: This variant is considered likely benign or benign based on one or more of the following criteria: it is a conservative change, it occurs at a poorly conserved position in the protein, it is predicted to be benign by multiple in silico algorithms, and/or has population frequency not consistent with disease.

NM_001083962.2(TCF4):c.305-14G>A

Gene: TCF4 (transcription factor 4; minus strand). Cytogenetic location: 18q21.2.
Variant type: single nucleotide variant.
Coding change: c.305-14G>A on transcript NM_001083962.2 (MANE Select); 14 bases into the intron before coding-DNA position 305, G replaced by A.
Molecular consequence: intron variant.
Genome position (GRCh38, 1-based): chr18:55,403,532, C>T on the plus strand (G>A on the coding strand, the complement: TCF4 is on the minus strand). VCF-style: chr18-55403532-C-T. GRCh37 (hg19) VCF-style: chr18-53070763-C-T.
Other names: c.611-14G>A (NM_001243226.3); c.233-14G>A (NM_001369584.1, NM_001369576.1, NM_001369577.1 and 15 more transcripts); c.305-14G>A (NM_001369571.1, NM_001369567.1, NM_001243228.2 and 8 more transcripts); c.299-14G>A (NM_001243230.2); c.179-14G>A (NM_001243231.2, NM_001348211.2); c.-83-14G>A (NM_001348212.2); c.-86-14G>A (NM_001348213.2, NM_001243233.2); c.95-14G>A (NM_001306208.1, NM_001243232.1).
Identifiers: ClinVar variation 139403 (VCV000139403.14), dbSNP rs187703131, ClinGen allele CA293877.